The following is an entry in ClinVar:

ClinVar aggregate classification (germline): Uncertain significance. Review status: criteria provided, multiple submitters, no conflicts (2 of 4 stars). 3 submissions from 3 submitters: Uncertain significance (3). Last evaluated 2024-01-27.

Conditions:
Hereditary cancer-predisposing syndrome. Also called: Neoplastic Syndromes, Hereditary; Hereditary neoplastic syndrome; Tumor predisposition; Hereditary Cancer Syndrome. Identifiers: Orphanet 140162, MedGen C0027672, MeSH D009386, MONDO:0015356.
Ataxia-telangiectasia syndrome (AT). Also called: Ataxia telangiectasia (A-T); Cerebello-oculocutaneous telangiectasia; Immunodeficiency with ataxia telangiectasia; LOUIS-BAR SYNDROME; AT, COMPLEMENTATION GROUP C; ATAXIA-TELANGIECTASIA, FRESNO VARIANT. Identifiers: Orphanet 100, MedGen C0004135, MONDO:0008840, OMIM 208900.

Submissions (3):

Labcorp Genetics (formerly Invitae), Labcorp
Classification: Uncertain significance for Ataxia-telangiectasia syndrome. Last evaluated: 2024-01-27. Review status: criteria provided, single submitter. Criteria: Invitae Variant Classification Sherloc (09022015). Collection method: clinical testing. Allele origin: germline.
Comment: This sequence change replaces methionine, which is neutral and non-polar, with isoleucine, which is neutral and non-polar, at codon 2405 of the ATM protein (p.Met2405Ile). This variant is not present in population databases (gnomAD no frequency). This variant has not been reported in the literature in individuals affected with ATM-related conditions. ClinVar contains an entry for this variant (Variation ID: 246253). An algorithm developed to predict the effect of missense changes on protein structure and function (PolyPhen-2) suggests that this variant is likely to be disruptive. In summary, the available evidence is currently insufficient to determine the role of this variant in disease. Therefore, it has been classified as a Variant of Uncertain Significance.

Color Diagnostics, LLC DBA Color Health
Classification: Uncertain significance for Hereditary cancer-predisposing syndrome. Last evaluated: 2019-06-07. Review status: criteria provided, single submitter. Criteria: ACMG Guidelines, 2015. Collection method: clinical testing. Allele origin: germline.

GeneDx
Classification: Uncertain significance. Last evaluated: 2018-04-16. Review status: criteria provided, single submitter. Criteria: GeneDx Variant Classification (06012015). Collection method: clinical testing. Allele origin: germline. Affected: yes.
Comment: This variant is denoted ATM c.7215G>A at the cDNA level, p.Met2405Ile (M2405I) at the protein level, and results in the change of a Methionine to an Isoleucine (ATG>ATA). This variant has not, to our knowledge, been published in the literature as pathogenic or benign. ATM Met2405Ile was not observed in large population cohorts (Lek 2016). This variant is located in the FAT domain (Stracker 2013). In silico analysis, which includes protein predictors and evolutionary conservation, supports a deleterious effect. Based on currently available evidence, it is unclear whether ATM Met2405Ile is a pathogenic or benign variant. We consider it to be a variant of uncertain significance.

NM_000051.4(ATM):c.7215G>A (p.Met2405Ile)

Genes: ATM (ATM serine/threonine kinase; plus strand), C11orf65 (chromosome 11 open reading frame 65; minus strand). Cytogenetic location: 11q22.3.
Variant type: single nucleotide variant.
Coding change: c.7215G>A on transcript NM_000051.4 (MANE Select); coding-DNA position 7215, G replaced by A.
Protein change: p.Met2405Ile; replaces methionine 2405 with isoleucine.
Molecular consequence: missense variant. On other transcripts: intron variant (2).
Genome position (GRCh38, 1-based): chr11:108,329,146, G>A. VCF-style: chr11-108329146-G-A. GRCh37 (hg19) VCF-style: chr11-108199873-G-A.
Other names: c.7215G>A, p.Met2405Ile (NM_001351834.2); c.641-20075C>T (NM_001330368.2); c.*38+6074C>T (NM_001351110.2); short protein forms M2405I.
Identifiers: ClinVar variation 246253 (VCV000246253.10), dbSNP rs879254179, ClinGen allele CA10584363.